The following is an entry in ClinVar:

NM_000138.5(FBN1):c.6089G>C (p.Ser2030Thr)

Gene: FBN1 (fibrillin 1; minus strand). Cytogenetic location: 15q21.1.
Variant type: single nucleotide variant.
Coding change: c.6089G>C on transcript NM_000138.5 (MANE Select); coding-DNA position 6089, G replaced by C.
Protein change: p.Ser2030Thr; replaces serine 2030 with threonine.
Molecular consequence: missense variant.
Genome position (GRCh38, 1-based): chr15:48,441,795, C>G on the plus strand (G>C on the coding strand, the complement: FBN1 is on the minus strand). VCF-style: chr15-48441795-C-G. GRCh37 (hg19) VCF-style: chr15-48733992-C-G.
Other names: c.6089G>C, p.Ser2030Thr (NM_001406716.1); short protein forms S2030T.
Identifiers: ClinVar variation 4758775 (VCV004758775.1).

ClinVar aggregate classification (germline): Uncertain significance (1 of 4 stars; one submission).

Conditions:
Familial thoracic aortic aneurysm and aortic dissection (TAAD). Also called: Thoracic aortic aneurysms and dissections. Identifiers: Orphanet 91387, MedGen C4707243, MONDO:0019625.

gnomAD v4.1: 3 of 1,613,632 alleles (0.00019%); highest among the groups gnomAD compares: South Asian, 0.0033%; no homozygotes.

Submission:

Color Diagnostics, LLC DBA Color Health
Classification: Uncertain significance for Familial thoracic aortic aneurysm and aortic dissection. Last evaluated: 2025-06-10. Review status: criteria provided, single submitter. Criteria: ACMG Guidelines, 2015. Collection method: clinical testing. Allele origin: germline.
Comment: This missense variant replaces serine with threonine at codon 2030 of the FBN1 protein. Computational prediction suggests that this variant may not impact protein structure and function. To our knowledge, functional studies have not been reported for this variant. This variant has not been reported in individuals affected with FBN1-related disorders in the literature. This variant has been identified in 1/250970 chromosomes in the general population by the Genome Aggregation Database (gnomAD). The available evidence is insufficient to determine the role of this variant in disease conclusively. Therefore, this variant is classified as a Variant of Uncertain Significance.